The following is an entry in ClinVar:

ClinVar aggregate classification (germline): Conflicting classifications of pathogenicity. Review status: criteria provided, conflicting classifications (1 of 4 stars). 2 submissions from 2 submitters: Likely pathogenic (1); Uncertain significance (1). Last evaluated 2026-02-27.

Conditions:
6-Pyruvoyl-tetrahydrobiopterin synthase deficiency. Also called: PTS DEFICIENCY; PTS-Related Tetrahydrobiopterin Deficiency; 6-Pyruvoyltetrahydropterin Synthase Deficiency; Hyperphenylalanemia, BH4-deficient, A; Hyperphenylalaninemia due to 6-pyruvoyl-tetrahydropterin synthase deficiency; HYPERPHENYLALANINEMIA, TETRAHYDROBIOPTERIN-DEFICIENT, DUE TO PTS DEFICIENCY. Identifiers: Orphanet 13, Orphanet 238583, MedGen C0878676, MONDO:0009863, OMIM 261640.

Allele frequency attached by ClinVar (database versions not stated): TOPMed below 0.00001; gnomAD 0.00001.
gnomAD v4.1: 3 of 1,613,562 alleles (0.00019%); highest among the groups gnomAD compares: Non-Finnish European, 0.00025%; no homozygotes.

Submissions (2):

GeneDx
Classification: Likely pathogenic. Last evaluated: 2026-02-27. Review status: criteria provided, single submitter. Criteria: GeneDx Variant Classification Process June 2021. Collection method: clinical testing. Allele origin: germline.
Comment: Not observed at significant frequency in large population cohorts (gnomAD); In silico analysis suggests that this missense variant does not alter protein structure/function; Has not been previously published as pathogenic or benign to our knowledge

Labcorp Genetics (formerly Invitae), Labcorp
Classification: Uncertain significance for 6-Pyruvoyl-tetrahydrobiopterin synthase deficiency. Last evaluated: 2021-09-17. Review status: criteria provided, single submitter. Criteria: Invitae Variant Classification Sherloc (09022015). Collection method: clinical testing. Allele origin: germline.
Comment: This sequence change replaces lysine with asparagine at codon 120 of the PTS protein (p.Lys120Asn). The lysine residue is moderately conserved and there is a moderate physicochemical difference between lysine and asparagine. This variant is not present in population databases (ExAC no frequency). This variant has been observed in individual(s) with hyperphenylalanemia (Invitae). Algorithms developed to predict the effect of missense changes on protein structure and function (SIFT, PolyPhen-2, Align-GVGD) all suggest that this variant is likely to be tolerated. In summary, the available evidence is currently insufficient to determine the role of this variant in disease. Therefore, it has been classified as a Variant of Uncertain Significance.

NM_000317.3(PTS):c.360A>T (p.Lys120Asn)

Gene: PTS (6-pyruvoyltetrahydropterin synthase; plus strand). Cytogenetic location: 11q23.1.
Variant type: single nucleotide variant.
Coding change: c.360A>T on transcript NM_000317.3 (MANE Select); coding-DNA position 360, A replaced by T.
Protein change: p.Lys120Asn; replaces lysine 120 with asparagine.
Molecular consequence: missense variant.
Genome position (GRCh38, 1-based): chr11:112,233,477, A>T. VCF-style: chr11-112233477-A-T. GRCh37 (hg19) VCF-style: chr11-112104200-A-T.
Other names: c.360A>T (NM_000317.2); short protein forms K120N.
Identifiers: ClinVar variation 1443964 (VCV001443964.6), dbSNP rs1859970916, ClinGen allele CA382628041.